The following is an entry in ClinVar:

ClinVar aggregate classification (germline): Benign. Review status: criteria provided, single submitter (1 of 4 stars). 2 submissions from 2 submitters: Benign (1). 1 of the submissions does not count toward it. Last evaluated 2026-07-01.

Conditions:
KCNQ1-related disorder. Also called: KCNQ1-related condition; KCNQ1-related disorders. Identifiers: MedGen CN239322.

Allele frequency attached by ClinVar (database versions not stated): 1000 Genomes Project 0.00060; 1000 Genomes Project 30x 0.00078.
gnomAD v4.1: 914 of 398,910 alleles (0.23%); highest among the groups gnomAD compares: Non-Finnish European, 0.19%; 8 homozygotes.

Submissions (2):

CeGaT Center for Human Genetics Tuebingen
Classification: Benign. Last evaluated: 2026-07-01. Review status: criteria provided, single submitter. Criteria: CeGaT Center For Human Genetics Tuebingen Variant Classification Criteria Version 2. Collection method: clinical testing. Allele origin: germline. Affected: yes. Observed: 4 variant alleles.
Comment: KCNQ1OT1: BS1, BS2

PreventionGenetics, part of Exact Sciences
Classification: Benign for KCNQ1-related condition. Last evaluated: 2019-08-21. Review status: no assertion criteria provided. Collection method: clinical testing. Allele origin: germline. Not counted in ClinVar's aggregate classification.
Comment: This variant is classified as benign based on ACMG/AMP sequence variant interpretation guidelines (Richards et al. 2015 PMID: 25741868, with internal and published modifications).

NM_000218.3(KCNQ1):c.1514+37196C>G

Genes: KCNQ1 (potassium voltage-gated channel subfamily Q member 1; plus strand), KCNQ1OT1 (KCNQ1 opposite strand/antisense transcript 1; minus strand). Cytogenetic location: 11p15.5.
Variant type: single nucleotide variant.
Coding change: c.1514+37196C>G on transcript NM_000218.3 (MANE Select); 37196 bases into the intron after coding-DNA position 1514, C replaced by G.
Molecular consequence: intron variant. On other transcripts: non-coding transcript variant (1).
Genome position (GRCh38, 1-based): chr11:2,699,277, C>G. VCF-style: chr11-2699277-C-G. GRCh37 (hg19) VCF-style: chr11-2720507-C-G.
Other names: c.1514+37196C>G (NM_000218.2); c.1244+37196C>G (NM_001406837.1); c.1418+37196C>G (NM_001406836.1); c.974+37196C>G (NM_001406838.1); c.1133+37196C>G (NM_181798.2).
Identifiers: ClinVar variation 3026350 (VCV003026350.23), dbSNP rs78369463, ClinGen allele CA216198096.